The following is an entry in ClinVar:

ClinVar aggregate classification (germline): Uncertain significance (1 of 4 stars; one submission).

Conditions:
Malignant hyperthermia, susceptibility to, 5 (MHS5). Also called: CACNA1S-Related Malignant Hyperthermia Susceptibility. Identifiers: Orphanet 423, MedGen C1866077, MONDO:0011163, OMIM 601887.
Hypokalemic periodic paralysis, type 1. Also called: HypoPP; Hypokalemic Periodic Paralysis Type 1 (AD). Identifiers: Orphanet 681, MedGen C3714580, MONDO:0042979, OMIM 170400.

gnomAD v4.1: 1 of 1,613,880 alleles (0.000062%); highest among the groups gnomAD compares: Non-Finnish European, 0.000085%; no homozygotes.

Submission:

Labcorp Genetics (formerly Invitae), Labcorp
Classification: Uncertain significance for Hypokalemic periodic paralysis, type 1; Malignant hyperthermia, susceptibility to, 5. Last evaluated: 2025-08-18. Review status: criteria provided, single submitter. Criteria: Invitae Variant Classification Sherloc (09022015). Collection method: clinical testing. Allele origin: germline.
Comment: This sequence change replaces arginine, which is basic and polar, with lysine, which is basic and polar, at codon 1778 of the CACNA1S protein (p.Arg1778Lys). This variant is present in population databases (no rsID available, gnomAD 0.0009%). This variant has not been reported in the literature in individuals affected with CACNA1S-related conditions. Invitae Evidence Modeling of protein sequence and biophysical properties (such as structural, functional, and spatial information, amino acid conservation, physicochemical variation, residue mobility, and thermodynamic stability) indicates that this missense variant is not expected to disrupt CACNA1S protein function with a negative predictive value of 95%. In summary, the available evidence is currently insufficient to determine the role of this variant in disease. Therefore, it has been classified as a Variant of Uncertain Significance.

NM_000069.3(CACNA1S):c.5333G>A (p.Arg1778Lys)

Gene: CACNA1S (calcium voltage-gated channel subunit alpha1 S; minus strand). Cytogenetic location: 1q32.1.
Variant type: single nucleotide variant.
Coding change: c.5333G>A on transcript NM_000069.3 (MANE Select); coding-DNA position 5333, G replaced by A.
Protein change: p.Arg1778Lys; replaces arginine 1778 with lysine.
Molecular consequence: missense variant.
Genome position (GRCh38, 1-based): chr1:201,040,268, C>T on the plus strand (G>A on the coding strand, the complement: CACNA1S is on the minus strand). VCF-style: chr1-201040268-C-T. GRCh37 (hg19) VCF-style: chr1-201009396-C-T.
Other names: short protein forms R1778K.
Identifiers: ClinVar variation 4788947 (VCV004788947.1).
Genomic context (GRCh38, chr1:201,040,268, plus strand): 5'-CTGTGACCCAGCCCCTGGCTCACCTTTTGGATCAGCAGGGCTGTAGCTGGTGCTGAGCAC[C>T]TGGAAGTATTCTCCCTGGTGCTCCTGCTGTGGGGTGTCTCCTCATGAAGAGACCCTGGTG-3'
Protein context (NP_000060.2, residues 1768-1788): HSRSTRENTS[Arg1778Lys]CSAPATALLI